The following is an entry in ClinVar:

ClinVar aggregate classification (germline): Uncertain significance (1 of 4 stars; one submission).

Submission:

Ambry Genetics
Classification: Uncertain significance. Last evaluated: 2022-02-23. Review status: criteria provided, single submitter. Criteria: Ambry Variant Classification Scheme 2023. Collection method: clinical testing. Allele origin: germline.
Comment: The p.G959E variant (also known as c.2876G>A), located in coding exon 4 of the ALPK2 gene, results from a G to A substitution at nucleotide position 2876. The glycine at codon 959 is replaced by glutamic acid, an amino acid with similar properties. This amino acid position is conserved. In addition, this alteration is predicted to be tolerated by in silico analysis. Since supporting evidence is limited at this time, the clinical significance of this alteration remains unclear.

NM_052947.4(ALPK2):c.2876G>A (p.Gly959Glu)

Gene: ALPK2 (alpha kinase 2; minus strand). Cytogenetic location: 18q21.31.
Variant type: single nucleotide variant.
Coding change: c.2876G>A on transcript NM_052947.4 (MANE Select); coding-DNA position 2876, G replaced by A.
Protein change: p.Gly959Glu; replaces glycine 959 with glutamic acid.
Molecular consequence: missense variant.
Genome position (GRCh38, 1-based): chr18:58,537,311, C>T on the plus strand (G>A on the coding strand, the complement: ALPK2 is on the minus strand). VCF-style: chr18-58537311-C-T. GRCh37 (hg19) VCF-style: chr18-56204543-C-T.
Other names: short protein forms G959E.
Identifiers: ClinVar variation 1797102 (VCV001797102.2), dbSNP rs2518877145, ClinGen allele CA402569580.